The following is an entry in ClinVar:

NM_000455.5(STK11):c.375-1C>A

Gene: STK11 (serine/threonine kinase 11; plus strand). Cytogenetic location: 19p13.3.
Variant type: single nucleotide variant.
Coding change: c.375-1C>A on transcript NM_000455.5 (MANE Select); the canonical splice acceptor site of the intron before coding-DNA position 375, C replaced by A.
Molecular consequence: splice acceptor variant.
Genome position (GRCh38, 1-based): chr19:1,219,323, C>A. VCF-style: chr19-1219323-C-A. GRCh37 (hg19) VCF-style: chr19-1219322-C-A.
Other names: c.375-1C>A (NM_000455.4, NM_001407255.1).
Identifiers: ClinVar variation 3072551 (VCV003072551.3), dbSNP rs2145422142, ClinGen allele CA402948066.

ClinVar aggregate classification (germline): Conflicting classifications of pathogenicity. Review status: criteria provided, conflicting classifications (1 of 4 stars). 2 submissions from 2 submitters: Uncertain significance (1); Likely benign (1). Last evaluated 2026-08-21.

Conditions:
Peutz-Jeghers syndrome (PJS). Also called: POLYPOSIS, HAMARTOMATOUS INTESTINAL; POLYPS-AND-SPOTS SYNDROME; Peutz-Jeghers polyposis; Periorificial lentiginosis syndrome. Identifiers: Orphanet 2869, MedGen C0031269, MeSH D010580, MONDO:0008280, OMIM 175200.
Hereditary cancer-predisposing syndrome. Also called: Tumor predisposition; Hereditary Cancer Syndrome; Neoplastic Syndromes, Hereditary; Hereditary neoplastic syndrome. Identifiers: Orphanet 140162, MedGen C0027672, MeSH D009386, MONDO:0015356.

Submissions (2):

Ambry Genetics
Classification: Likely benign for Hereditary cancer-predisposing syndrome. Last evaluated: 2026-08-21. Review status: criteria provided, single submitter. Criteria: Ambry Variant Classification Scheme 2023. Collection method: clinical testing. Allele origin: germline.

All of Us Research Program, National Institutes of Health
Classification: Uncertain significance for Peutz-Jeghers syndrome. Last evaluated: 2023-08-08. Review status: criteria provided, single submitter. Criteria: ACMG Guidelines, 2015. Collection method: clinical testing. Allele origin: germline. Inheritance: Autosomal dominant inheritance. Observed: 1 variant allele, 1 heterozygote.
Comment: This variant causes a C to A nucleotide substitution at the -1 position of intron 2 of the STK11 gene, changing the AC dinucleotide canonical acceptor site to an AA dinucleotide site. AT-AC intron spliceosomes may tolerate changes in the last intron nucleotide (PMID: 10207048), and thus it is unclear if splicing will be impacted by this variant. To our knowledge, RNA studies have not been reported for this variant. This variant has not been reported in individuals affected with STK11-related disorders in the literature. This variant has not been identified in the general population by the Genome Aggregation Database (gnomAD). The available evidence is insufficient to determine the role of this variant in disease conclusively. Therefore, this variant is classified as a Variant of Uncertain Significance.

This study involves interpretation of variants in research participants for the purpose of population health screening. Participant phenotype was not available at the time of variant classification. Additional details can be found in publication PMID: 35346344, PMCID: PMC8962531

Literature cited by the submitters: PubMed 10207048 (cited by All of Us Research Program, National Institutes of Health).